The following is an entry in ClinVar:

NM_004360.5(CDH1):c.1183A>G (p.Thr395Ala)

Gene: CDH1 (cadherin 1; plus strand). Cytogenetic location: 16q22.1.
Variant type: single nucleotide variant.
Coding change: c.1183A>G on transcript NM_004360.5 (MANE Select); coding-DNA position 1183, A replaced by G.
Protein change: p.Thr395Ala; replaces threonine 395 with alanine.
Molecular consequence: missense variant. On other transcripts: 5 prime UTR variant (2), intron variant (1).
Genome position (GRCh38, 1-based): chr16:68,813,358, A>G. VCF-style: chr16-68813358-A-G. GRCh37 (hg19) VCF-style: chr16-68847261-A-G.
Other names: c.1183A>G (LRG_301t1); c.-433A>G (NM_001317185.2); c.-637A>G (NM_001317186.2); c.1137+1095A>G (NM_001317184.2); short protein forms T395A.
Identifiers: ClinVar variation 232232 (VCV000232232.23), dbSNP rs201135424, ClinGen allele CA8130019.

ClinVar aggregate classification (germline): Conflicting classifications of pathogenicity. Review status: criteria provided, conflicting classifications (1 of 4 stars). 6 submissions from 6 submitters: Uncertain significance (5); Likely benign (1). Last evaluated 2025-11-22.

Conditions:
Hereditary cancer-predisposing syndrome. Also called: Hereditary Cancer Syndrome; Neoplastic Syndromes, Hereditary; Tumor predisposition; Hereditary neoplastic syndrome. Identifiers: Orphanet 140162, MedGen C0027672, MeSH D009386, MONDO:0015356.
Hereditary diffuse gastric adenocarcinoma (HDGC). Also called: DIFFUSE GASTRIC AND LOBULAR BREAST CANCER SYNDROME. Identifiers: Orphanet 26106, MedGen C1708349, MONDO:0007648, OMIM 137215.
Familial cancer of breast. Also called: Hereditary breast cancer; hereditary breast carcinoma; BREAST CANCER, FAMILIAL. Identifiers: Orphanet 227535, MedGen C0346153, MONDO:0016419, OMIM 114480. Disease mechanism: loss of function.

Allele frequency attached by ClinVar (database versions not stated): gnomAD exomes below 0.00001; TOPMed below 0.00001; ExAC 0.00001; gnomAD 0.00001; 1000 Genomes Project 30x 0.00016; 1000 Genomes Project 0.00020.
gnomAD v4.1: 2 of 1,614,180 alleles (0.00012%); highest among the groups gnomAD compares: African/African-American, 0.0013%; no homozygotes.

Submissions (6):

Labcorp Genetics (formerly Invitae), Labcorp
Classification: Uncertain significance for Hereditary diffuse gastric adenocarcinoma. Last evaluated: 2025-11-22. Review status: criteria provided, single submitter. Criteria: Invitae Variant Classification Sherloc (09022015). Collection method: clinical testing. Allele origin: germline.
Comment: This sequence change replaces threonine, which is neutral and polar, with alanine, which is neutral and non-polar, at codon 395 of the CDH1 protein (p.Thr395Ala). This variant is present in population databases (rs201135424, gnomAD 0.007%). This variant has not been reported in the literature in individuals affected with CDH1-related conditions. ClinVar contains an entry for this variant (Variation ID: 232232). An algorithm developed to predict the effect of missense changes on protein structure and function (PolyPhen-2) suggests that this variant is likely to be tolerated. In summary, the available evidence is currently insufficient to determine the role of this variant in disease. Therefore, it has been classified as a Variant of Uncertain Significance.

Baylor Genetics
Classification: Uncertain significance for Familial cancer of breast. Last evaluated: 2024-02-26. Review status: criteria provided, single submitter. Criteria: ACMG Guidelines, 2015. Collection method: clinical testing. Allele origin: unknown.

Ambry Genetics
Classification: Likely benign for Hereditary cancer-predisposing syndrome. Last evaluated: 2023-11-16. Review status: criteria provided, single submitter. Criteria: Ambry Variant Classification Scheme 2023. Collection method: clinical testing. Allele origin: germline.

Quest Diagnostics Nichols Institute San Juan Capistrano
Classification: Uncertain significance. Last evaluated: 2023-06-29. Review status: criteria provided, single submitter. Criteria: Quest Diagnostics criteria. Collection method: clinical testing. Allele origin: unknown.
Comment: The variant has not been reported in the published literature. The frequency of this variant in the general population, 0.000004 (1/251482 chromosomes), is uninformative in assessment of its pathogenicity. Analysis of this variant using bioinformatics tools for the prediction of the effect of amino acid changes on protein structure and function yielded predictions that this variant is benign. Based on the available information, we are unable to determine the clinical significance of this variant.

Color Diagnostics, LLC DBA Color Health
Classification: Uncertain significance for Hereditary cancer-predisposing syndrome. Last evaluated: 2022-10-18. Review status: criteria provided, single submitter. Criteria: ACMG Guidelines, 2015. Collection method: clinical testing. Allele origin: germline.
Comment: This missense variant replaces threonine with alanine at codon 395 of the CDH1 protein. To our knowledge, functional studies have not been reported for this variant. This variant has not been reported in individuals affected with hereditary cancer in the literature. This variant has been identified in 1/251482 chromosomes in the general population by the Genome Aggregation Database (gnomAD). The available evidence is insufficient to determine the role of this variant in disease conclusively. Therefore, this variant is classified as a Variant of Uncertain Significance.

GeneDx
Classification: Uncertain significance. Last evaluated: 2018-03-28. Review status: criteria provided, single submitter. Criteria: GeneDx Variant Classification (06012015). Collection method: clinical testing. Allele origin: germline. Affected: yes.
Comment: This variant is denoted CDH1 c.1183A>G at the cDNA level, p.Thr395Ala (T395A) at the protein level, and results in the change of a Threonine to an Alanine (ACA>GCA). This variant has not, to our knowledge, been published in the literature as a germline pathogenic or benign variant. CDH1 Thr395Ala was not observed at a significant allele frequency in large population cohorts (Lek 2016). This variant is located in cadherin 3 of the extracellular domain (Brooks-Wilson 2004, Figueiredo 2013, UniProt). In silico analysis, which includes protein predictors and evolutionary conservation, supports that this variant does not alter protein structure/function. Based on currently available evidence, it is unclear whether CDH1 Thr395Ala is a pathogenic or benign variant. We consider it to be a variant of uncertain significance.